The following is an entry in ClinVar:

NM_032790.4(ORAI1):c.187G>A (p.Val63Met)

Genes: ORAI1 (ORAI calcium release-activated calcium modulator 1; plus strand), LOC130008987 (ATAC-STARR-seq lymphoblastoid silent region 4981; plus strand). Cytogenetic location: 12q24.31.
Variant type: single nucleotide variant.
Coding change: c.187G>A on transcript NM_032790.4 (MANE Select); coding-DNA position 187, G replaced by A.
Protein change: p.Val63Met; replaces valine 63 with methionine.
Molecular consequence: missense variant. On other transcripts: non-coding transcript variant (1).
Genome position (GRCh38, 1-based): chr12:121,626,934, G>A. VCF-style: chr12-121626934-G-A. GRCh37 (hg19) VCF-style: chr12-122064840-G-A.
Other names: short protein forms V63M.
Identifiers: ClinVar variation 2935000 (VCV002935000.3), dbSNP rs1555322572, ClinGen allele CA386980916.
Genomic context (GRCh38, chr12:121,626,934, plus strand): 5'-CCGCCACCGCCGCCGTCCGCCGTCACCTACCCGGACTGGATCGGCCAGAGTTACTCCGAG[G>A]TGATGAGCCTCAACGAGCACTCCATGCAGGCGCTGTCCTGGCGCAAGCTCTACTTGAGCC-3'
Protein context (NP_116179.2, residues 53-73): PDWIGQSYSE[Val63Met]MSLNEHSMQA

ClinVar aggregate classification (germline): Uncertain significance (1 of 4 stars; one submission).

Conditions:
Myopathy, tubular aggregate, 2 (TAM2). Identifiers: MedGen C4014557, MONDO:0014383, OMIM 615883.
Combined immunodeficiency due to ORAI1 deficiency. Also called: IMMUNODEFICIENCY 9. Identifiers: Orphanet 169090, Orphanet 317428, MedGen C2748568, MONDO:0013007, OMIM 612782.

Allele frequency attached by ClinVar (database versions not stated): gnomAD exomes below 0.00001; TOPMed below 0.00001.

Submission:

Labcorp Genetics (formerly Invitae), Labcorp
Classification: Uncertain significance for Myopathy, tubular aggregate, 2; Combined immunodeficiency due to ORAI1 deficiency. Last evaluated: 2023-10-13. Review status: criteria provided, single submitter. Criteria: Invitae Variant Classification Sherloc (09022015). Collection method: clinical testing. Allele origin: germline.
Comment: This sequence change replaces valine, which is neutral and non-polar, with methionine, which is neutral and non-polar, at codon 63 of the ORAI1 protein (p.Val63Met). This variant is present in population databases (no rsID available, gnomAD 0.007%). This variant has not been reported in the literature in individuals affected with ORAI1-related conditions. Experimental studies and prediction algorithms are not available or were not evaluated, and the functional significance of this variant is currently unknown. In summary, the available evidence is currently insufficient to determine the role of this variant in disease. Therefore, it has been classified as a Variant of Uncertain Significance.